The following is an entry in ClinVar:

ClinVar aggregate classification (germline): Likely benign. Review status: criteria provided, multiple submitters, no conflicts (2 of 4 stars). 2 submissions from 2 submitters: Likely benign (2). Last evaluated 2026-05-01.

gnomAD v4.1: 5 of 1,614,228 alleles (0.00031%); highest among the groups gnomAD compares: Admixed American, 0.0017%; no homozygotes.

Submissions (2):

CeGaT Center for Human Genetics Tuebingen
Classification: Likely benign. Last evaluated: 2026-05-01. Review status: criteria provided, single submitter. Criteria: CeGaT Center For Human Genetics Tuebingen Variant Classification Criteria Version 2. Collection method: clinical testing. Allele origin: germline. Affected: yes. Observed: 1 variant allele.
Comment: HIVEP2: BP4, BP7

Labcorp Genetics (formerly Invitae), Labcorp
Classification: Likely benign. Last evaluated: 2023-07-10. Review status: criteria provided, single submitter. Criteria: Invitae Variant Classification Sherloc (09022015). Collection method: clinical testing. Allele origin: germline.

NM_006734.4(HIVEP2):c.2895C>T (p.Arg965=)

Gene: HIVEP2 (HIVEP zinc finger 2; minus strand). Cytogenetic location: 6q24.2.
Variant type: single nucleotide variant.
Coding change: c.2895C>T on transcript NM_006734.4 (MANE Select); coding-DNA position 2895, C replaced by T.
Protein change: p.Arg965=; no amino-acid change (arginine 965 retained).
Molecular consequence: synonymous variant.
Genome position (GRCh38, 1-based): chr6:142,771,844, G>A on the plus strand (C>T on the coding strand, the complement: HIVEP2 is on the minus strand). VCF-style: chr6-142771844-G-A. GRCh37 (hg19) VCF-style: chr6-143092981-G-A.
Identifiers: ClinVar variation 2877209 (VCV002877209.5), dbSNP rs2482835810, ClinGen allele CA452715229.